The following is an entry in ClinVar:

ClinVar aggregate classification (germline): Uncertain significance. Review status: criteria provided, multiple submitters, no conflicts (2 of 4 stars). 2 submissions from 2 submitters: Uncertain significance (2). Last evaluated 2026-03-27.

Conditions:
Cardiovascular phenotype. Identifiers: MedGen CN230736.
Catecholaminergic polymorphic ventricular tachycardia 1. Also called: RYR2-Related Catecholaminergic Polymorphic Ventricular Tachycardia; VENTRICULAR TACHYCARDIA, STRESS-INDUCED POLYMORPHIC 1; VENTRICULAR TACHYCARDIA, CATECHOLAMINERGIC POLYMORPHIC, 1, WITH OR WITHOUT ATRIAL DYSFUNCTION AND/OR DILATED CARDIOMYOPATHY. Identifiers: Orphanet 3286, MedGen C1631597, MONDO:0011484, OMIM 604772.

Allele frequency attached by ClinVar (database versions not stated): gnomAD exomes 0.00001; ExAC 0.00001.
gnomAD v4.1: 8 of 1,598,992 alleles (0.0005%); highest among the groups gnomAD compares: Non-Finnish European, 0.00069%; no homozygotes.

Submissions (2):

Molecular Diagnostic Laboratory for Inherited Cardiovascular Disease, Montreal Heart Institute
Classification: Uncertain significance for Cardiovascular phenotype. Last evaluated: 2026-03-27. Review status: criteria provided, single submitter. Criteria: ACMG Guidelines, 2015. Collection method: clinical testing. Allele origin: germline. Affected: yes.
Comment: PM2, PP2

Labcorp Genetics (formerly Invitae), Labcorp
Classification: Uncertain significance for Catecholaminergic polymorphic ventricular tachycardia 1. Last evaluated: 2021-03-24. Review status: criteria provided, single submitter. Criteria: Invitae Variant Classification Sherloc (09022015). Collection method: clinical testing. Allele origin: germline.
Comment: This sequence change replaces alanine with threonine at codon 2986 of the RYR2 protein (p.Ala2986Thr). The alanine residue is highly conserved and there is a small physicochemical difference between alanine and threonine. This variant is present in population databases (rs745482544, ExAC 0.002%). This variant has not been reported in the literature in individuals with RYR2-related conditions. Advanced modeling of protein sequence and biophysical properties (such as structural, functional, and spatial information, amino acid conservation, physicochemical variation, residue mobility, and thermodynamic stability) performed at Invitae indicates that this missense variant is not expected to disrupt RYR2 protein function. In summary, the available evidence is currently insufficient to determine the role of this variant in disease. Therefore, it has been classified as a Variant of Uncertain Significance.

NM_001035.3(RYR2):c.8956G>A (p.Ala2986Thr)

Gene: RYR2 (ryanodine receptor 2; plus strand). Cytogenetic location: 1q43.
Variant type: single nucleotide variant.
Coding change: c.8956G>A on transcript NM_001035.3 (MANE Select); coding-DNA position 8956, G replaced by A.
Protein change: p.Ala2986Thr; replaces alanine 2986 with threonine.
Molecular consequence: missense variant.
Genome position (GRCh38, 1-based): chr1:237,680,516, G>A. VCF-style: chr1-237680516-G-A. GRCh37 (hg19) VCF-style: chr1-237843816-G-A.
Other names: c.8956G>A (NM_001035.2); short protein forms A2986T.
Identifiers: ClinVar variation 1416347 (VCV001416347.9), dbSNP rs745482544, ClinGen allele CA087792.